The following is an entry in ClinVar:

ClinVar aggregate classification (germline): Uncertain significance (1 of 4 stars; one submission).

Submission:

GeneDx
Classification: Uncertain significance. Last evaluated: 2024-04-15. Review status: criteria provided, single submitter. Criteria: GeneDx Variant Classification Process June 2021. Collection method: clinical testing. Allele origin: germline. Affected: yes.
Comment: Not observed at significant frequency in large population cohorts (gnomAD); In silico analysis indicates that this missense variant does not alter protein structure/function; Has not been previously published as pathogenic or benign to our knowledge

NM_002887.4(RARS1):c.242A>G (p.Gln81Arg)

Gene: RARS1 (arginyl-tRNA synthetase 1; plus strand). Cytogenetic location: 5q34.
Variant type: single nucleotide variant.
Coding change: c.242A>G on transcript NM_002887.4 (MANE Select); coding-DNA position 242, A replaced by G.
Protein change: p.Gln81Arg; replaces glutamine 81 with arginine.
Molecular consequence: missense variant.
Genome position (GRCh38, 1-based): chr5:168,492,720, A>G. VCF-style: chr5-168492720-A-G. GRCh37 (hg19) VCF-style: chr5-167919725-A-G.
Other names: short protein forms Q81R.
Identifiers: ClinVar variation 3372365 (VCV003372365.1).
Genomic context (GRCh38, chr5:168,492,720, plus strand): 5'-GTCTTCAGGCAGAAAGGAACAAACCAACTAAAAATATGATTAACATTATTAGCCGCCTAC[A>G]AGAGGTCTTTGGTCATGCAATTAAGGCTGCATATCCAGATTTGGAAAATCCTCCTCTGCT-3'
Protein context (NP_002878.2, residues 71-91): KNMINIISRL[Gln81Arg]EVFGHAIKAA